The following is an entry in ClinVar:

NM_001330078.2(NRXN1):c.266T>C (p.Leu89Pro)

Gene: NRXN1 (neurexin 1; minus strand). Cytogenetic location: 2p16.3.
Variant type: single nucleotide variant.
Coding change: c.266T>C on transcript NM_001330078.2 (MANE Select); coding-DNA position 266, T replaced by C.
Protein change: p.Leu89Pro; replaces leucine 89 with proline.
Molecular consequence: missense variant.
Genome position (GRCh38, 1-based): chr2:51,028,008, A>G on the plus strand (T>C on the coding strand, the complement: NRXN1 is on the minus strand). VCF-style: chr2-51028008-A-G. GRCh37 (hg19) VCF-style: chr2-51255146-A-G.
Other names: c.266T>C, p.Leu89Pro (NM_001135659.3, NM_001330077.2, NM_001330079.2 and 15 more transcripts); short protein forms L89P.
Identifiers: ClinVar variation 1525587 (VCV001525587.8), dbSNP rs2105332569, ClinGen allele CA346824350.

ClinVar aggregate classification (germline): Uncertain significance (1 of 4 stars; one submission).

Conditions:
Pitt-Hopkins-like syndrome 2 (PTHSL2). Identifiers: Orphanet 221150, Orphanet 600663, MedGen C3280479, MONDO:0013690, OMIM 614325.

Submission:

Labcorp Genetics (formerly Invitae), Labcorp
Classification: Uncertain significance for Pitt-Hopkins-like syndrome 2. Last evaluated: 2022-02-10. Review status: criteria provided, single submitter. Criteria: Invitae Variant Classification Sherloc (09022015). Collection method: clinical testing. Allele origin: germline.
Comment: In summary, the available evidence is currently insufficient to determine the role of this variant in disease. Therefore, it has been classified as a Variant of Uncertain Significance. Algorithms developed to predict the effect of missense changes on protein structure and function are either unavailable or do not agree on the potential impact of this missense change (SIFT: "Deleterious"; PolyPhen-2: "Possibly Damaging"; Align-GVGD: "Class C0"). This variant has not been reported in the literature in individuals affected with NRXN1-related conditions. This variant is not present in population databases (gnomAD no frequency). This sequence change replaces leucine, which is neutral and non-polar, with proline, which is neutral and non-polar, at codon 89 of the NRXN1 protein (p.Leu89Pro).